The following is an entry in ClinVar:

ClinVar aggregate classification (germline): Uncertain significance. Review status: criteria provided, multiple submitters, no conflicts (2 of 4 stars). 3 submissions from 3 submitters: Uncertain significance (3). Last evaluated 2024-04-24.

Conditions:
Mucopolysaccharidosis, MPS-III-A (MPS3A). Also called: mucopolysaccharidosis type 3A; MPS IIIA (Sanfilippo Syndrome Type A); HEPARAN SULFATE SULFATASE DEFICIENCY; MUCOPOLYSACCHARIDOSIS, TYPE IIIA, ATTENUATED; Mucopolysaccharidosis type IIIA (Sanfilippo A); Mucopolysaccharidosis, type IIIA. Identifiers: Orphanet 581, Orphanet 79269, MedGen C0086647, MONDO:0009655, OMIM 252900.

Allele frequency attached by ClinVar (database versions not stated): gnomAD 0.00001; TOPMed 0.00001.
gnomAD v4.1: 1 of 1,612,030 alleles (0.000062%); highest among the groups gnomAD compares: African/African-American, 0.0013%; no homozygotes.

Submissions (3):

GeneDx
Classification: Uncertain significance. Last evaluated: 2024-04-24. Review status: criteria provided, single submitter. Criteria: GeneDx Variant Classification Process June 2021. Collection method: clinical testing. Allele origin: germline. Affected: yes.
Comment: Not observed at significant frequency in large population cohorts (gnomAD); In silico analysis, which includes protein predictors and evolutionary conservation, supports a deleterious effect; Has not been previously published as pathogenic or benign to our knowledge

Genome-Nilou Lab
Classification: Uncertain significance for Mucopolysaccharidosis, MPS-III-A. Last evaluated: 2021-11-07. Review status: criteria provided, single submitter. Criteria: ACMG Guidelines, 2015. Collection method: clinical testing. Allele origin: germline. Affected: no.

Labcorp Genetics (formerly Invitae), Labcorp
Classification: Uncertain significance for Mucopolysaccharidosis, MPS-III-A. Last evaluated: 2021-08-13. Review status: criteria provided, single submitter. Criteria: Invitae Variant Classification Sherloc (09022015). Collection method: clinical testing. Allele origin: germline.
Comment: This sequence change replaces tryptophan with cysteine at codon 473 of the SGSH protein (p.Trp473Cys). The tryptophan residue is highly conserved and there is a large physicochemical difference between tryptophan and cysteine. This variant is not present in population databases (ExAC no frequency). This missense change has been observed in individual(s) with clinical features of SGSH-related conditions (Invitae). Algorithms developed to predict the effect of missense changes on protein structure and function are either unavailable or do not agree on the potential impact of this missense change (SIFT: "Tolerated"; PolyPhen-2: "Possibly Damaging"; Align-GVGD: "Class C0"). In summary, the available evidence is currently insufficient to determine the role of this variant in disease. Therefore, it has been classified as a Variant of Uncertain Significance.

NM_000199.5(SGSH):c.1419G>C (p.Trp473Cys)

Gene: SGSH (N-sulfoglucosamine sulfohydrolase; minus strand). Cytogenetic location: 17q25.3.
Variant type: single nucleotide variant.
Coding change: c.1419G>C on transcript NM_000199.5 (MANE Select); coding-DNA position 1419, G replaced by C.
Protein change: p.Trp473Cys; replaces tryptophan 473 with cysteine.
Molecular consequence: missense variant. On other transcripts: 3 prime UTR variant (2), non-coding transcript variant (1).
Genome position (GRCh38, 1-based): chr17:80,210,542, C>G on the plus strand (G>C on the coding strand, the complement: SGSH is on the minus strand). VCF-style: chr17-80210542-C-G. GRCh37 (hg19) VCF-style: chr17-78184341-C-G.
Other names: c.*506G>C (NM_001352921.3); c.*469G>C (NM_001352922.2); short protein forms W473C.
Identifiers: ClinVar variation 958221 (VCV000958221.11), dbSNP rs1453217230, ClinGen allele CA401358471.